The following is an entry in ClinVar:

ClinVar aggregate classification (germline): Uncertain significance. Review status: criteria provided, multiple submitters, no conflicts (2 of 4 stars). 2 submissions from 2 submitters: Uncertain significance (2). Last evaluated 2026-05-20.

Conditions:
Inborn genetic diseases. Identifiers: MedGen C0950123, MeSH D030342.
Chromosome 2q32-q33 deletion syndrome (GLASS). Also called: Glass syndrome; 2q33.1 deletion syndrome. Identifiers: Orphanet 251019, MedGen C2676739, MONDO:0012864, OMIM 612313.

Allele frequency attached by ClinVar (database versions not stated): TOPMed 0.00001; gnomAD exomes 0.00001.
gnomAD v4.1: 22 of 1,614,096 alleles (0.0014%); highest among the groups gnomAD compares: Non-Finnish European, 0.0017%; no homozygotes.

Submissions (2):

Ambry Genetics
Classification: Uncertain significance for Inborn genetic diseases. Last evaluated: 2026-05-20. Review status: criteria provided, single submitter. Criteria: Ambry Variant Classification Scheme 2023. Collection method: clinical testing. Allele origin: germline.
Comment: The c.452C>T (p.T151M) alteration is located in exon 5 (coding exon 3) of the SATB2 gene. This alteration results from a C to T substitution at nucleotide position 452, causing the threonine (T) at amino acid position 151 to be replaced by a methionine (M). Based on data from gnomAD, the T allele has an overall frequency of <0.001% (1/251382) total alleles studied. The highest observed frequency was <0.001% (/) of alleles. Based on insufficient or conflicting evidence, the clinical significance of this alteration remains unclear.

Labcorp Genetics (formerly Invitae), Labcorp
Classification: Uncertain significance for Chromosome 2q32-q33 deletion syndrome. Last evaluated: 2025-08-11. Review status: criteria provided, single submitter. Criteria: Invitae Variant Classification Sherloc (09022015). Collection method: clinical testing. Allele origin: germline.
Comment: This sequence change replaces threonine, which is neutral and polar, with methionine, which is neutral and non-polar, at codon 151 of the SATB2 protein (p.Thr151Met). This variant is present in population databases (no rsID available, gnomAD 0.004%). This variant has not been reported in the literature in individuals affected with SATB2-related conditions. ClinVar contains an entry for this variant (Variation ID: 1975710). Invitae Evidence Modeling of protein sequence and biophysical properties (such as structural, functional, and spatial information, amino acid conservation, physicochemical variation, residue mobility, and thermodynamic stability) has been performed for this missense variant. However, the output from this modeling did not meet the statistical confidence thresholds required to predict the impact of this variant on SATB2 protein function. In summary, the available evidence is currently insufficient to determine the role of this variant in disease. Therefore, it has been classified as a Variant of Uncertain Significance.

NM_001172509.2(SATB2):c.452C>T (p.Thr151Met)

Gene: SATB2 (SATB homeobox 2; minus strand). Cytogenetic location: 2q33.1.
Variant type: single nucleotide variant.
Coding change: c.452C>T on transcript NM_001172509.2 (MANE Select); coding-DNA position 452, C replaced by T.
Protein change: p.Thr151Met; replaces threonine 151 with methionine.
Molecular consequence: missense variant.
Genome position (GRCh38, 1-based): chr2:199,381,715, G>A on the plus strand (C>T on the coding strand, the complement: SATB2 is on the minus strand). VCF-style: chr2-199381715-G-A. GRCh37 (hg19) VCF-style: chr2-200246438-G-A.
Other names: c.452C>T (NM_015265.3); c.452C>T, p.Thr151Met (NM_001172517.1, NM_015265.4); short protein forms T151M.
Identifiers: ClinVar variation 1975710 (VCV001975710.6), dbSNP rs1414878673, ClinGen allele CA350389071.